The following is an entry in ClinVar:

NM_018100.4(EFHC1):c.685T>C (p.Phe229Leu)

Gene: EFHC1 (EF-hand domain containing 1; plus strand). Cytogenetic location: 6p12.2.
Variant type: single nucleotide variant.
Coding change: c.685T>C on transcript NM_018100.4 (MANE Select); coding-DNA position 685, T replaced by C.
Protein change: p.Phe229Leu; replaces phenylalanine 229 with leucine.
Molecular consequence: missense variant. On other transcripts: non-coding transcript variant (1).
Genome position (GRCh38, 1-based): chr6:52,452,799, T>C. VCF-style: chr6-52452799-T-C. GRCh37 (hg19) VCF-style: chr6-52317597-T-C.
Other names: p.F229L:TTT>CTT; c.628T>C, p.Phe210Leu (NM_001172420.2); short protein forms F229L, F210L.
Identifiers: ClinVar variation 2064 (VCV000002064.48), dbSNP rs137852776, ClinGen allele CA115320.

ClinVar aggregate classification (germline): Conflicting classifications of pathogenicity. Review status: criteria provided, conflicting classifications (1 of 4 stars). 9 submissions from 9 submitters: Uncertain significance (3); Benign (2); Likely benign (3). 1 of the submissions does not count toward it. Last evaluated 2026-01-26.

Conditions:
Absence seizure. Also called: Absence epilepsy. Identifiers: Orphanet 1941, MedGen C0014553.
Myoclonic epilepsy, juvenile, susceptibility to, 1. Also called: Myoclonic Epilepsy, Juvenile, 1; EJM1. Identifiers: MedGen C1850778, MONDO:0020752, OMIM 254770.

Allele frequency attached by ClinVar (database versions not stated): 1000 Genomes Project 30x 0.00172; 1000 Genomes Project 0.00180; gnomAD 0.00242 and 0.00243; TOPMed 0.00299; ESP Exome Variant Server 0.00331; gnomAD exomes 0.00332 and 0.00349; ExAC 0.00358.
gnomAD v4.1: 5,325 of 1,614,032 alleles (0.33%); highest among the groups gnomAD compares: Middle Eastern, 1.7%; 28 homozygotes.

Submissions (9):

Labcorp Genetics (formerly Invitae), Labcorp
Classification: Benign for Myoclonic epilepsy, juvenile, susceptibility to, 1; Absence seizure. Last evaluated: 2026-01-26. Review status: criteria provided, single submitter. Criteria: Invitae Variant Classification Sherloc (09022015). Collection method: clinical testing. Allele origin: germline.

CeGaT Center for Human Genetics Tuebingen
Classification: Likely benign. Last evaluated: 2023-06-01. Review status: criteria provided, single submitter. Criteria: CeGaT Center For Human Genetics Tuebingen Variant Classification Criteria Version 2. Collection method: clinical testing. Allele origin: germline. Affected: yes. Observed: 2 variant alleles.
Comment: EFHC1: BS2

New York Genome Center
Classification: Uncertain significance for Epilepsy, juvenile absence, susceptibility to, 1. Last evaluated: 2021-07-02. Review status: criteria provided, single submitter. Criteria: NYGC Assertion Criteria 2020. Collection method: clinical testing. Allele origin: inherited. Observed: 1 heterozygote. Study: CSER-NYCKidSeq.

GeneDx
Classification: Benign. Last evaluated: 2021-05-05. Review status: criteria provided, single submitter. Criteria: GeneDx Variant Classification Process June 2021. Collection method: clinical testing. Allele origin: germline. Affected: yes.
Comment: In silico analysis, which includes protein predictors and evolutionary conservation, supports a deleterious effect; In silico analysis supports that this missense variant has a deleterious effect on protein structure/function; This variant is associated with the following publications: (PMID: 23527921, 22690745, 27467453, 17634063, 17159113, 25625532, 28370826, 25489633, 24965021, 22226147, 18823326, 12439895, 15258581, 22926142)

Athena Diagnostics
Classification: Uncertain significance. Last evaluated: 2019-04-04. Review status: criteria provided, single submitter. Criteria: Athena Diagnostics Criteria. Collection method: clinical testing. Allele origin: germline.

Center for Pediatric Genomic Medicine, Children's Mercy Hospital and Clinics
Classification: Likely benign. Last evaluated: 2017-08-30. Review status: criteria provided, single submitter. Criteria: ACMG Guidelines, 2015. Collection method: clinical testing. Allele origin: germline.

Eurofins Ntd Llc (ga)
Classification: Likely benign. Last evaluated: 2015-05-05. Review status: criteria provided, single submitter. Criteria: EGL Classification Definitions 2015. Collection method: clinical testing. Allele origin: germline. Observed: 3 variant alleles, 3 heterozygotes.

Genetic Services Laboratory, University of Chicago
Classification: Uncertain significance. Last evaluated: 2014-06-18. Review status: criteria provided, single submitter. Criteria: ACMG Guidelines, 2015. Collection method: clinical testing. Allele origin: germline.

OMIM
Classification: Uncertain significance for RECLASSIFIED - VARIANT OF UNKNOWN SIGNIFICANCE. Last evaluated: 2006-12-12. Review status: no assertion criteria provided. Collection method: literature only. Allele origin: germline. Not counted in ClinVar's aggregate classification.

Literature cited by the submitters: PubMed 28370826 (cited by Athena Diagnostics); PubMed 27467453 (cited by Athena Diagnostics); PubMed 22226147 (cited by Athena Diagnostics); PubMed 24965021 (cited by Athena Diagnostics); PubMed 23527921 (cited by Athena Diagnostics); PubMed 25489633 (cited by Athena Diagnostics); PubMed 25625532 (cited by Athena Diagnostics); PubMed 15258581 (cited by Athena Diagnostics and OMIM); PubMed 17159113 (cited by Athena Diagnostics and OMIM); PubMed 17634063 (cited by Athena Diagnostics); PubMed 18823326 (cited by Athena Diagnostics); PubMed 22926142 (cited by Athena Diagnostics); PubMed 22690745 (cited by Athena Diagnostics); Hamosh, A. Personal Communication. 2024. Baltimore, Md. (cited by OMIM); PubMed 12439895 (cited by OMIM).